The following is an entry in ClinVar:

ClinVar aggregate classification (germline): Pathogenic (1 of 4 stars; one submission).

Submission:

GeneDx
Classification: Pathogenic. Last evaluated: 2015-08-03. Review status: criteria provided, single submitter. Criteria: GeneDx Variant Classification (06012015). Collection method: clinical testing. Allele origin: germline. Affected: yes.
Comment: The V15F variant in the RPS19 gene has been reported previously in the heterozygous state in twoindividuals with Diamond-Blackfan anemia (Willig et al., 1999; Da Costa et al., 2003). Functional studiesindicate that the V15F substitution impairs nucleolar localization and reduces RPS19 protein levels comparedto wild type (Da Costa et al., 2003; Angelini et al., 2007). The V15F variant was not observed inapproximately 6,500 individuals of European and African American ancestry in the NHLBI ExomeSequencing Project, indicating it is not a common benign variant in these populations. The V15F substitution isa semi-conservative change at a position that is conserved across species. We interpret V15F as a pathogenic variant.

NM_001022.4(RPS19):c.43G>T (p.Val15Phe)

Genes: RPS19 (ribosomal protein S19; plus strand), RPS19-CD79A (RPS19-CD79A readthrough; plus strand). Cytogenetic location: 19q13.2.
Variant type: single nucleotide variant.
Coding change: c.43G>T on transcript NM_001022.4 (MANE Select); coding-DNA position 43, G replaced by T.
Protein change: p.Val15Phe; replaces valine 15 with phenylalanine.
Molecular consequence: missense variant.
Genome position (GRCh38, 1-based): chr19:41,860,817, G>T. VCF-style: chr19-41860817-G-T. GRCh37 (hg19) VCF-style: chr19-42364887-G-T.
Other names: c.43G>T, p.Val15Phe (NM_001321483.2, NM_001321484.2, NM_001321485.2); short protein forms V15F.
Identifiers: ClinVar variation 242804 (VCV000242804.3), dbSNP rs104894717, ClinGen allele CA045535.